The following is an entry in ClinVar:

ClinVar aggregate classification (germline): Uncertain significance. Review status: criteria provided, multiple submitters, no conflicts (2 of 4 stars). 2 submissions from 2 submitters: Uncertain significance (2). Last evaluated 2024-05-22.

Conditions:
Pierson syndrome. Also called: MICROCORIA-CONGENITAL NEPHROTIC SYNDROME. Identifiers: Orphanet 2670, MedGen C1836876, MONDO:0012184, OMIM 609049.
LAMB2-related infantile-onset nephrotic syndrome. Also called: Nephrotic Syndrome, type 5; NEPHROTIC SYNDROME, TYPE 5, WITHOUT OCULAR ABNORMALITIES; NEPHROTIC SYNDROME, TYPE 5, WITH OCULAR ABNORMALITIES. Identifiers: Orphanet 306507, MedGen C3280113, MONDO:0013621, OMIM 614199.

gnomAD v4.1: 6 of 1,614,098 alleles (0.00037%); highest among the groups gnomAD compares: Non-Finnish European, 0.00051%; no homozygotes.

Submissions (2):

Fulgent Genetics
Classification: Uncertain significance for Pierson syndrome; LAMB2-related infantile-onset nephrotic syndrome. Last evaluated: 2024-05-22. Review status: criteria provided, single submitter. Criteria: ACMG Guidelines, 2015. Collection method: clinical testing. Allele origin: germline.

Labcorp Genetics (formerly Invitae), Labcorp
Classification: Uncertain significance for LAMB2-related infantile-onset nephrotic syndrome; Pierson syndrome. Last evaluated: 2020-09-13. Review status: criteria provided, single submitter. Criteria: Invitae Variant Classification Sherloc (09022015). Collection method: clinical testing. Allele origin: germline.
Comment: In summary, the available evidence is currently insufficient to determine the role of this variant in disease. Therefore, it has been classified as a Variant of Uncertain Significance. Algorithms developed to predict the effect of missense changes on protein structure and function do not agree on the potential impact of this missense change (SIFT: "Deleterious"; PolyPhen-2: "Benign"; Align-GVGD: "Class C0"). This variant has not been reported in the literature in individuals with LAMB2-related disease. This variant is not present in population databases (ExAC no frequency). This sequence change replaces valine with leucine at codon 221 of the LAMB2 protein (p.Val221Leu). The valine residue is highly conserved and there is a small physicochemical difference between valine and leucine.

NM_002292.4(LAMB2):c.661G>T (p.Val221Leu)

Gene: LAMB2 (laminin subunit beta 2; minus strand). Cytogenetic location: 3p21.31.
Variant type: single nucleotide variant.
Coding change: c.661G>T on transcript NM_002292.4 (MANE Select); coding-DNA position 661, G replaced by T.
Protein change: p.Val221Leu; replaces valine 221 with leucine.
Molecular consequence: missense variant.
Genome position (GRCh38, 1-based): chr3:49,131,430, C>A on the plus strand (G>T on the coding strand, the complement: LAMB2 is on the minus strand). VCF-style: chr3-49131430-C-A. GRCh37 (hg19) VCF-style: chr3-49168863-C-A.
Other names: short protein forms V221L.
Identifiers: ClinVar variation 1022191 (VCV001022191.6), dbSNP rs748711014, ClinGen allele CA352749406.